The following is an entry in ClinVar:

ClinVar aggregate classification (germline): Uncertain significance. Review status: criteria provided, single submitter (1 of 4 stars). 2 submissions from 2 submitters: Uncertain significance (1). 1 of the submissions does not count toward it. Last evaluated 2024-06-28.

Conditions:
EPPK1-related disorder. Also called: EPPK1-related condition.

Allele frequency attached by ClinVar (database versions not stated): gnomAD exomes 0.00006; ExAC 0.00016; gnomAD 0.00061; ESP Exome Variant Server 0.00073; TOPMed 0.00079.
gnomAD v4.1: 197 of 1,604,224 alleles (0.012%); highest among the groups gnomAD compares: African/African-American, 0.22%; no homozygotes.

Submissions (2):

Ambry Genetics
Classification: Uncertain significance. Last evaluated: 2024-06-28. Review status: criteria provided, single submitter. Criteria: Ambry Variant Classification Scheme 2023. Collection method: clinical testing. Allele origin: germline.

PreventionGenetics, part of Exact Sciences
Classification: Likely benign for EPPK1-related condition. Last evaluated: 2022-04-18. Review status: no assertion criteria provided. Collection method: clinical testing. Allele origin: germline. Not counted in ClinVar's aggregate classification.
Comment: This variant is classified as likely benign based on ACMG/AMP sequence variant interpretation guidelines (Richards et al. 2015 PMID: 25741868, with internal and published modifications).

NM_031308.4(EPPK1):c.293C>T (p.Ala98Val)

Gene: EPPK1 (epiplakin 1; minus strand). Cytogenetic location: 8q24.3.
Variant type: single nucleotide variant.
Coding change: c.293C>T on transcript NM_031308.4 (MANE Select); coding-DNA position 293, C replaced by T.
Protein change: p.Ala98Val; replaces alanine 98 with valine.
Molecular consequence: missense variant.
Genome position (GRCh38, 1-based): chr8:143,872,961, G>A on the plus strand (C>T on the coding strand, the complement: EPPK1 is on the minus strand). VCF-style: chr8-143872961-G-A. GRCh37 (hg19) VCF-style: chr8-144947129-G-A.
Other names: short protein forms A98V.
Identifiers: ClinVar variation 2213970 (VCV002213970.5), dbSNP rs201067978, ClinGen allele CA4923654.
Genomic context (GRCh38, chr8:143,872,961, plus strand): 5'-GCACGCTCAGCGGCCAGCAGCTTCTCCTTCAGCTCCAGCCCCACCAGACCCTGCTGCAGG[G>A]CCTTGGACACAGGGAGCAGCTGGCCCCGGGCGAGGTCCACCAGGCCCCCAGTGGCTGCCT-3'
Protein context (NP_112598.3, residues 88-108): ARGQLLPVSK[Ala98Val]LQQGLVGLEL